The following is an entry in ClinVar:

NM_018417.6(ADCY10):c.4270T>A (p.Ser1424Thr)

Gene: ADCY10 (adenylate cyclase 10; minus strand). Cytogenetic location: 1q24.2.
Variant type: single nucleotide variant.
Coding change: c.4270T>A on transcript NM_018417.6 (MANE Select); coding-DNA position 4270, T replaced by A.
Protein change: p.Ser1424Thr; replaces serine 1424 with threonine.
Molecular consequence: missense variant.
Genome position (GRCh38, 1-based): chr1:167,822,040, A>T on the plus strand (T>A on the coding strand, the complement: ADCY10 is on the minus strand). VCF-style: chr1-167822040-A-T. GRCh37 (hg19) VCF-style: chr1-167791278-A-T.
Other names: c.3811T>A, p.Ser1271Thr (NM_001167749.3); c.3994T>A, p.Ser1332Thr (NM_001297772.2); short protein forms S1332T, S1271T, S1424T.
Identifiers: ClinVar variation 3688036 (VCV003688036.2).

ClinVar aggregate classification (germline): Uncertain significance (1 of 4 stars; one submission).

Submission:

Labcorp Genetics (formerly Invitae), Labcorp
Classification: Uncertain significance. Last evaluated: 2024-09-27. Review status: criteria provided, single submitter. Criteria: Invitae Variant Classification Sherloc (09022015). Collection method: clinical testing. Allele origin: germline.
Comment: This sequence change replaces serine, which is neutral and polar, with threonine, which is neutral and polar, at codon 1424 of the ADCY10 protein (p.Ser1424Thr). This variant is not present in population databases (gnomAD no frequency). This variant has not been reported in the literature in individuals affected with ADCY10-related conditions. An algorithm developed to predict the effect of missense changes on protein structure and function (PolyPhen-2) suggests that this variant is likely to be disruptive. In summary, the available evidence is currently insufficient to determine the role of this variant in disease. Therefore, it has been classified as a Variant of Uncertain Significance.